The following is an entry in ClinVar:

ClinVar aggregate classification (germline): Conflicting classifications of pathogenicity. Review status: criteria provided, conflicting classifications (1 of 4 stars). 4 submissions from 4 submitters: Uncertain significance (3); Likely benign (1). Last evaluated 2026-01-28.

Conditions:
Dyskeratosis congenita. Identifiers: Orphanet 1775, MedGen C0265965, MONDO:0015780.

Allele frequency attached by ClinVar (database versions not stated): ExAC 0.00001; gnomAD exomes 0.00003 and 0.00011; gnomAD 0.00005 and 0.00006; TOPMed 0.00005; ESP Exome Variant Server 0.00009.

Submissions (4):

Labcorp Genetics (formerly Invitae), Labcorp
Classification: Uncertain significance for Dyskeratosis congenita. Last evaluated: 2026-01-28. Review status: criteria provided, single submitter. Criteria: Invitae Variant Classification Sherloc (09022015). Collection method: clinical testing. Allele origin: germline.
Comment: This sequence change replaces alanine, which is neutral and non-polar, with threonine, which is neutral and polar, at codon 33 of the DKC1 protein (p.Ala33Thr). This variant is present in population databases (rs372511229, gnomAD 0.01%). This variant has not been reported in the literature in individuals affected with DKC1-related conditions. ClinVar contains an entry for this variant (Variation ID: 854161). Invitae Evidence Modeling of protein sequence and biophysical properties (such as structural, functional, and spatial information, amino acid conservation, physicochemical variation, residue mobility, and thermodynamic stability) indicates that this missense variant is not expected to disrupt DKC1 protein function with a negative predictive value of 80%. In summary, the available evidence is currently insufficient to determine the role of this variant in disease. Therefore, it has been classified as a Variant of Uncertain Significance.

Ambry Genetics
Classification: Uncertain significance for Dyskeratosis congenita. Last evaluated: 2025-02-11. Review status: criteria provided, single submitter. Criteria: Ambry Variant Classification Scheme 2023. Collection method: clinical testing. Allele origin: germline.

Mayo Clinic Laboratories, Mayo Clinic
Classification: Uncertain significance. Last evaluated: 2024-07-02. Review status: criteria provided, single submitter. Criteria: ACMG Guidelines, 2015. Collection method: clinical testing. Allele origin: germline. Observed: 1 variant allele.
Comment: BS2

Blueprint Genetics
Classification: Likely benign. Last evaluated: 2023-06-13. Review status: criteria provided, single submitter. Criteria: ACMG Guidelines, 2015. Collection method: clinical testing. Allele origin: germline.

NM_001363.5(DKC1):c.97G>A (p.Ala33Thr)

Gene: DKC1 (dyskerin pseudouridine synthase 1; plus strand). Cytogenetic location: Xq28.
Variant type: single nucleotide variant.
Coding change: c.97G>A on transcript NM_001363.5 (MANE Select); coding-DNA position 97, G replaced by A.
Protein change: p.Ala33Thr; replaces alanine 33 with threonine.
Molecular consequence: missense variant. On other transcripts: non-coding transcript variant (3).
Genome position (GRCh38, 1-based): chrX:154,765,456, G>A. VCF-style: chrX-154765456-G-A. GRCh37 (hg19) VCF-style: chrX-153993731-G-A.
Other names: p.Ala33Thr; c.97G>A (NM_001363.3); c.97G>A, p.Ala33Thr (NM_001142463.3, NM_001288747.2); short protein forms A33T.
Identifiers: ClinVar variation 854161 (VCV000854161.12), dbSNP rs372511229, ClinGen allele CA10566975.